The following is an entry in ClinVar:

NM_020066.5(FMN2):c.2363_2364del (p.Ile788fs)

Gene: FMN2 (formin 2; plus strand). Cytogenetic location: 1q43.
Variant type: Deletion.
Coding change: c.2363_2364del on transcript NM_020066.5 (MANE Select); coding-DNA positions 2363 to 2364, 2 bases deleted (TT; older notation c.2363_2364delTT).
Protein change: p.Ile788fs; shifts the reading frame from isoleucine 788.
Molecular consequence: frameshift variant. On other transcripts: intron variant (1).
Genome position (GRCh38, 1-based): chr1:240,207,175-240,207,176, TT deleted. VCF-style (leftmost placement, unchanged base first): chr1-240207174-ATT-A. GRCh37 (hg19) VCF-style: chr1-240370474-ATT-A.
Other names: c.2375_2376del, p.Ile792fs (NM_001305424.2); c.1986+18913_1986+18914del (NM_001348094.2); short protein forms I792fs, I788fs.
Identifiers: ClinVar variation 280455 (VCV000280455.2), dbSNP rs886041659, ClinGen allele CA10602761.

ClinVar aggregate classification (germline): Pathogenic (1 of 4 stars; one submission).

Submission:

GeneDx
Classification: Pathogenic. Last evaluated: 2016-03-23. Review status: criteria provided, single submitter. Criteria: GeneDx Variant Classification (06012015). Collection method: clinical testing. Allele origin: germline. Affected: yes.
Comment: The c.2363_2364delTT pathogenic variant in the FMN2 gene has not been reported previously as a pathogenic variant nor as a benign variant, to our knowledge. This variant causes a frameshift starting with codon Isoleucine 88, changes this amino acid to a Serine residue, and creates a premature Stop codon at position 62 of the new reading frame, denoted p.Ile788SerfsX62. This variant is predicted to cause loss of normal protein function either through protein truncation or nonsense-mediated mRNA decay. The c.2363_2364delTT variant was not observed in approximately 6500 individuals of European and African American ancestry in the NHLBI Exome Sequencing Project, indicating it is not a common benign variant in these populations. We interpret c.2363_2364delTT as a pathogenic variant.